The following is an entry in ClinVar:

ClinVar aggregate classification (germline): Benign. Review status: criteria provided, multiple submitters, no conflicts (2 of 4 stars). 2 submissions from 2 submitters: Benign (2). Last evaluated 2018-01-12.

Conditions:
Congenital fibrosis of extraocular muscles type 1. Also called: CFEOM3B; BLEPHAROPTOSIS WITH ABSENT EYE MOVEMENTS; OPHTHALMOPLEGIA, CONGENITAL; FEOM1 LOCUS. Identifiers: MedGen C1851102, MONDO:0021083, OMIM 135700.

Allele frequency attached by ClinVar (database versions not stated): 1000 Genomes Project 0.05491; ExAC 0.06533; gnomAD 0.04314 and 0.04519; ESP Exome Variant Server 0.04492; 1000 Genomes Project 30x 0.05028; gnomAD exomes 0.05378; TOPMed 0.04496.
gnomAD v4.1: 95,813 of 1,607,514 alleles (6%); highest among the groups gnomAD compares: East Asian, 12%; 3,182 homozygotes.

Submissions (2):

Illumina Laboratory Services, Illumina
Classification: Benign for Congenital fibrosis of extraocular muscles type 1. Last evaluated: 2018-01-12. Review status: criteria provided, single submitter. Criteria: ICSL Variant Classification Criteria 13 December 2019. Collection method: clinical testing. Allele origin: germline.
Comment: This variant was observed in the ICSL laboratory as part of a predisposition screen in an ostensibly healthy population. It had not been previously curated by ICSL or reported in the Human Gene Mutation Database (HGMD: prior to June 1st, 2018), and was therefore a candidate for classification through an automated scoring system. Utilizing variant allele frequency, disease prevalence and penetrance estimates, and inheritance mode, an automated score was calculated to assess if this variant is too frequent to cause the disease. Based on the score and internal cut-off values, a variant classified as benign is not then subjected to further curation. The score for this variant resulted in a classification of benign for this disease.

Breakthrough Genomics
Classification: Benign. Review status: criteria provided, single submitter. Criteria: ACMG Guidelines, 2015. Collection method: not provided. Allele origin: germline. Inheritance: Autosomal dominant inheritance. Affected: yes.

NM_001173464.2(KIF21A):c.3711G>T (p.Glu1237Asp)

Gene: KIF21A (kinesin family member 21A; minus strand). Cytogenetic location: 12q12.
Variant type: single nucleotide variant.
Coding change: c.3711G>T on transcript NM_001173464.2 (MANE Select); coding-DNA position 3711, G replaced by T.
Protein change: p.Glu1237Asp; replaces glutamic acid 1237 with aspartic acid.
Molecular consequence: missense variant.
Genome position (GRCh38, 1-based): chr12:39,319,974, C>A on the plus strand (G>T on the coding strand, the complement: KIF21A is on the minus strand). VCF-style: chr12-39319974-C-A. GRCh37 (hg19) VCF-style: chr12-39713776-C-A.
Other names: c.3651G>T, p.Glu1217Asp (NM_001173463.2); c.3603G>T, p.Glu1201Asp (NM_001173465.2); c.3672G>T, p.Glu1224Asp (NM_017641.4); short protein forms E1224D, E1237D, E1201D, E1217D.
Identifiers: ClinVar variation 308557 (VCV000308557.6), dbSNP rs75223821, ClinGen allele CA6510438.